The following is an entry in ClinVar:

NM_002294.3(LAMP2):c.*1617C>T

Gene: LAMP2 (lysosome associated membrane protein 2; minus strand). Cytogenetic location: Xq24.
Variant type: single nucleotide variant.
Coding change: c.*1617C>T on transcript NM_002294.3 (MANE Select); 1617 bases downstream of the stop codon, C replaced by T.
Molecular consequence: 3 prime UTR variant. On other transcripts: intron variant (1).
Genome position (GRCh38, 1-based): chrX:120,429,706, G>A on the plus strand (C>T on the coding strand, the complement: LAMP2 is on the minus strand). VCF-style: chrX-120429706-G-A. GRCh37 (hg19) VCF-style: chrX-119563561-G-A.
Other names: c.1094-1080C>T (NM_001122606.1).
Identifiers: ClinVar variation 367769 (VCV000367769.6), dbSNP rs141881232, ClinGen allele CA10651623.

ClinVar aggregate classification (germline): Benign (1 of 4 stars; one submission).

Conditions:
Danon disease. Also called: ANTOPOL DISEASE; PSEUDOGLYCOGENOSIS II; GSD IIb; LYSOSOMAL GLYCOGEN STORAGE DISEASE WITHOUT ACID MALTASE DEFICIENCY; Glycogen Storage Disease Type IIb. Identifiers: Orphanet 34587, MedGen C0878677, MONDO:0010281, OMIM 300257.

Allele frequency attached by ClinVar (database versions not stated): gnomAD exomes 0.00115; 1000 Genomes Project 0.01298; 1000 Genomes Project 30x 0.01332; gnomAD 0.01408 and 0.01521; TOPMed 0.01605.
gnomAD v4.1: 2,323 of 751,329 alleles (0.31%); highest among the groups gnomAD compares: African/African-American, 5%; 40 homozygotes.

Submission:

Illumina Laboratory Services, Illumina
Classification: Benign for Danon disease. Last evaluated: 2018-01-12. Review status: criteria provided, single submitter. Criteria: ICSL Variant Classification Criteria 13 December 2019. Collection method: clinical testing. Allele origin: germline.
Comment: This variant was observed in the ICSL laboratory as part of a predisposition screen in an ostensibly healthy population. It had not been previously curated by ICSL or reported in the Human Gene Mutation Database (HGMD: prior to June 1st, 2018), and was therefore a candidate for classification through an automated scoring system. Utilizing variant allele frequency, disease prevalence and penetrance estimates, and inheritance mode, an automated score was calculated to assess if this variant is too frequent to cause the disease. Based on the score and internal cut-off values, a variant classified as benign is not then subjected to further curation. The score for this variant resulted in a classification of benign for this disease.